The following is an entry in ClinVar:

NC_000017.10:g.(?_59878594)_(59878855_?)del

Gene: BRIP1 (BRCA1 interacting DNA helicase 1; minus strand). Cytogenetic location: 17q23.2.
Variant type: Deletion.
Identifiers: ClinVar variation 3242970 (VCV003242970.1).

ClinVar aggregate classification (germline): Pathogenic (1 of 4 stars; one submission).

Conditions:
Familial cancer of breast. Also called: BREAST CANCER, FAMILIAL; hereditary breast carcinoma; Hereditary breast cancer. Identifiers: Orphanet 227535, MedGen C0346153, MONDO:0016419, OMIM 114480. Disease mechanism: loss of function.
Fanconi anemia complementation group J. Also called: BRIP1-Related Fanconi Anemia. Identifiers: Orphanet 84, MedGen C1836860, MONDO:0012187, OMIM 609054.

Submission:

Labcorp Genetics (formerly Invitae), Labcorp
Classification: Pathogenic for Familial cancer of breast; Fanconi anemia complementation group J. Last evaluated: 2024-01-18. Review status: criteria provided, single submitter. Criteria: Invitae Variant Classification Sherloc (09022015). Collection method: clinical testing. Allele origin: unknown.
Comment: This variant is a gross deletion of the genomic region encompassing exon(s) 8 of the BRIP1 gene. This variant would be expected to be in-frame, preserving the integrity of the reading frame. A similar copy number variant has been observed in individual(s) with ovarian cancer (PMID: 30322717). This gross deletion of exon 8 is expected to result in the loss of amino acids Gly307-Ser380. This removes nearly all of the iron-sulfur (Fe-S) cluster binding domain of BRIP1, including two of the four conserved cysteine residues within that domain (PMID: 16973432, 19099189). This variant disrupts a region of the BRIP1 protein in which other variant(s) (p.Ala349Pro) have been determined to be pathogenic (PMID: 16116424, 16973432). This suggests that this is a clinically significant region of the protein, and that variants that disrupt it are likely to be disease-causing. For these reasons, this variant has been classified as Pathogenic.

Literature cited by the submitters: PubMed 30322717; PubMed 16973432; PubMed 19099189; PubMed 16116424.